The following is an entry in ClinVar:

NM_015046.7(SETX):c.3815A>G (p.Lys1272Arg)

Gene: SETX (senataxin; minus strand). Cytogenetic location: 9q34.13.
Variant type: single nucleotide variant.
Coding change: c.3815A>G on transcript NM_015046.7 (MANE Select); coding-DNA position 3815, A replaced by G.
Protein change: p.Lys1272Arg; replaces lysine 1272 with arginine.
Molecular consequence: missense variant.
Genome position (GRCh38, 1-based): chr9:132,327,783, T>C on the plus strand (A>G on the coding strand, the complement: SETX is on the minus strand). VCF-style: chr9-132327783-T-C. GRCh37 (hg19) VCF-style: chr9-135203170-T-C.
Other names: c.3815A>G, p.Lys1272Arg (NM_001351527.2, NM_001351528.2); short protein forms K1272R.
Identifiers: ClinVar variation 1389508 (VCV001389508.8), dbSNP rs202204341, ClinGen allele CA5297323.

ClinVar aggregate classification (germline): Conflicting classifications of pathogenicity. Review status: criteria provided, conflicting classifications (1 of 4 stars). 2 submissions from 2 submitters: Uncertain significance (1); Likely benign (1). Last evaluated 2025-04-29.

Conditions:
Spinocerebellar ataxia, autosomal recessive, with axonal neuropathy 2 (SCAN2). Also called: ATAXIA-OCULOMOTOR APRAXIA 2; Ataxia with Oculomotor Apraxia; Ataxia-ocular apraxia-2; Ataxia with Oculomotor Apraxia Type 2. Identifiers: Orphanet 64753, MedGen C1853761, MONDO:0018996, OMIM 606002.
Amyotrophic lateral sclerosis type 4 (ALS4). Also called: AMYOTROPHIC LATERAL SCLEROSIS 4, JUVENILE; NEURONOPATHY, DISTAL HEREDITARY MOTOR, WITH PYRAMIDAL FEATURES. Identifiers: Orphanet 357043, MedGen C1865409, MONDO:0011223, OMIM 602433.
Inborn genetic diseases. Identifiers: MedGen C0950123, MeSH D030342.

Allele frequency attached by ClinVar (database versions not stated): gnomAD exomes 0.00004 and 0.00006; TOPMed 0.00005; ExAC 0.00006.
gnomAD v4.1: 56 of 1,614,214 alleles (0.0035%); highest among the groups gnomAD compares: East Asian, 0.053%; no homozygotes.

Submissions (2):

Labcorp Genetics (formerly Invitae), Labcorp
Classification: Likely benign for Amyotrophic lateral sclerosis type 4; Spinocerebellar ataxia, autosomal recessive, with axonal neuropathy 2. Last evaluated: 2025-04-29. Review status: criteria provided, single submitter. Criteria: Invitae Variant Classification Sherloc (09022015). Collection method: clinical testing. Allele origin: germline.

Ambry Genetics
Classification: Uncertain significance for Inborn genetic diseases. Last evaluated: 2019-12-03. Review status: criteria provided, single submitter. Criteria: Ambry Variant Classification Scheme 2023. Collection method: clinical testing. Allele origin: germline.
Comment: The p.K1272R variant (also known as c.3815A>G), located in coding exon 8 of the SETX gene, results from an A to G substitution at nucleotide position 3815. The lysine at codon 1272 is replaced by arginine, an amino acid with highly similar properties. This amino acid position is highly conserved in available vertebrate species. In addition, the in silico prediction for this alteration is inconclusive. Since supporting evidence is limited at this time, the clinical significance of this alteration remains unclear.